The following is an entry in ClinVar:

NM_000179.3(MSH6):c.3278del (p.Gly1093fs)

Gene: MSH6 (mutS homolog 6; plus strand). Cytogenetic location: 2p16.3.
Variant type: Deletion.
Coding change: c.3278del on transcript NM_000179.3 (MANE Select); coding-DNA position 3278, one base deleted (G; older notation c.3278delG).
Protein change: p.Gly1093fs; shifts the reading frame from glycine 1093.
Molecular consequence: frameshift variant.
Genome position (GRCh38, 1-based): chr2:47,803,525, G deleted; the last of 2 consecutive G bases (chr2:47,803,524-47,803,525); deleting either gives the same sequence. VCF-style (leftmost placement, unchanged base first): chr2-47803523-AG-A. GRCh37 (hg19) VCF-style: chr2-48030662-AG-A.
Other names: c.2888del, p.Gly963fs (NM_001281492.2); c.2372del, p.Gly791fs (NM_001281493.2, NM_001281494.2); c.3374delG, p.Gly1125Aspfs (NM_001406795.1, NM_001406802.1); c.3278delG, p.Gly1093Aspfs (NM_001406796.1, NM_001406800.1, NM_001406808.1 and 1 more transcripts); c.2981delG, p.Gly994Aspfs (NM_001406797.1, NM_001406801.1, NM_001406805.1 and 10 more transcripts); c.2753delG, p.Gly918Aspfs (NM_001406799.1, NM_001406806.1, NM_001406807.1); c.2414delG, p.Gly805Aspfs (NM_001406803.1); c.3200delG, p.Gly1067Aspfs (NM_001406804.1); and 7 more; short protein forms G791fs, G963fs, G1093fs.
Identifiers: ClinVar variation 1729681 (VCV001729681.2), dbSNP rs2530765178, ClinGen allele CA2580067032.

ClinVar aggregate classification (germline): Pathogenic (1 of 4 stars; one submission).

Conditions:
Hereditary cancer-predisposing syndrome. Also called: Neoplastic Syndromes, Hereditary; Tumor predisposition; Hereditary Cancer Syndrome; Hereditary neoplastic syndrome. Identifiers: Orphanet 140162, MedGen C0027672, MeSH D009386, MONDO:0015356.

Submission:

Ambry Genetics
Classification: Pathogenic for Hereditary cancer-predisposing syndrome. Last evaluated: 2021-04-14. Review status: criteria provided, single submitter. Criteria: Ambry Variant Classification Scheme 2023. Collection method: clinical testing. Allele origin: germline.
Comment: The c.3278delG pathogenic mutation, located in coding exon 5 of the MSH6 gene, results from a deletion of one nucleotide at nucleotide position 3278, causing a translational frameshift with a predicted alternate stop codon (p.G1093Dfs*22). This alteration is expected to result in loss of function by premature protein truncation or nonsense-mediated mRNA decay. As such, this alteration is interpreted as a disease-causing mutation.